The following is an entry in ClinVar:

NM_144687.4(NLRP12):c.2368C>T (p.Leu790Phe)

Gene: NLRP12 (NLR family pyrin domain containing 12; minus strand). Cytogenetic location: 19q13.42.
Variant type: single nucleotide variant.
Coding change: c.2368C>T on transcript NM_144687.4 (MANE Select); coding-DNA position 2368, C replaced by T.
Protein change: p.Leu790Phe; replaces leucine 790 with phenylalanine.
Molecular consequence: missense variant.
Genome position (GRCh38, 1-based): chr19:53,805,326, G>A on the plus strand (C>T on the coding strand, the complement: NLRP12 is on the minus strand). VCF-style: chr19-53805326-G-A. GRCh37 (hg19) VCF-style: chr19-54308580-G-A.
Other names: c.2371C>T, p.Leu791Phe (NM_001277126.2); c.2368C>T, p.Leu790Phe (NM_001277129.1); short protein forms L790F, L791F.
Identifiers: ClinVar variation 2505035 (VCV002505035.1), dbSNP rs1444047397, ClinGen allele CA407410286.
Genomic context (GRCh38, chr19:53,805,326, plus strand): 5'-GGATAGAGACTCACTGAATCATCTGCAGCCTGCACTGGGGATGCCGCAGGCCCTCGCAAA[G>A]CAGCATCATGCCTGGGAATCCAACGCCGTTGCCACTGAGATCCATCCTTGTCAAATTCTT-3'
Protein context (NP_653288.1, residues 780-800): NGVGFPGMML[Leu790Phe]CEGLRHPQCR

ClinVar aggregate classification (germline): Uncertain significance (1 of 4 stars; one submission).

Allele frequency attached by ClinVar (database versions not stated): gnomAD 0.00001; TOPMed 0.00001.
gnomAD v4.1: 1 of 1,614,096 alleles (0.000062%); highest among the groups gnomAD compares: Admixed American, 0.0017%; no homozygotes.

Submission:

GeneDx
Classification: Uncertain significance. Last evaluated: 2022-12-06. Review status: criteria provided, single submitter. Criteria: GeneDx Variant Classification Process June 2021. Collection method: clinical testing. Allele origin: germline. Affected: yes.
Comment: Not observed at significant frequency in large population cohorts (gnomAD); In silico analysis supports that this missense variant has a deleterious effect on protein structure/function; Has not been previously published as pathogenic or benign to our knowledge